The following is an entry in ClinVar:

ClinVar aggregate classification (germline): Uncertain significance. Review status: criteria provided, multiple submitters, no conflicts (2 of 4 stars). 6 submissions from 5 submitters: Uncertain significance (5). 1 of the submissions does not count toward it. Last evaluated 2025-02-26.

Conditions:
Arrhythmogenic cardiomyopathy with wooly hair and keratoderma. Also called: PALMOPLANTAR KERATODERMA WITH LEFT VENTRICULAR CARDIOMYOPATHY AND WOOLLY HAIR; Carvajal syndrome; Dilated cardiomyopathy with woolly hair and keratoderma; Arrhythmogenic cardiomyopathy with woolly hair and keratoderma. Identifiers: Orphanet 65282, MedGen C1854063, MONDO:0011581, OMIM 605676.
Arrhythmogenic right ventricular dysplasia 8 (ARVD8). Also called: ARRHYTHMOGENIC RIGHT VENTRICULAR DYSPLASIA, FAMILIAL, 8; Arrhythmogenic Right Ventricular Dysplasia/Cardiomyopathy 8; ARRHYTHMOGENIC RIGHT VENTRICULAR CARDIOMYOPATHY 8. Identifiers: MedGen C1843896, MONDO:0011831, OMIM 607450.
Keratosis palmoplantaris striata 2. Also called: Keratosis palmoplantaris striata II; KERATODERMA, PALMOPLANTAR, STRIATE FORM II; STRIATE PALMOPLANTAR KERATODERMA II. Identifiers: MedGen C1852127, MONDO:0013034, OMIM 612908.
Amyloidosis. Also called: Amyloid deposition. Identifiers: Orphanet 69, MedGen C0002726, MONDO:0019065, HP:0011034.
Cardiomyopathy (CMYO). Also called: Cardiomyopathies. Identifiers: Orphanet 167848, MedGen C0878544, MONDO:0004994, HP:0001638. Inheritance: Various modes of inheritance.
Woolly hair-skin fragility syndrome (WHSF). Identifiers: Orphanet 293165, MedGen C1843292, MONDO:0957307, OMIM 620415.
Lethal acantholytic epidermolysis bullosa (EBLA). Identifiers: Orphanet 158687, MedGen C1864826, MONDO:0012323, OMIM 609638.
Cardiomyopathy, dilated, with wooly hair, keratoderma, and tooth agenesis. Also called: Cardiomyopathy, dilated, with woolly hair, keratoderma, and tooth agenesis; Erythrokeratodermia-cardiomyopathy syndrome. Identifiers: Orphanet 476096, Orphanet 65282, MedGen C4014393, MONDO:0014355, OMIM 615821.

Allele frequency attached by ClinVar (database versions not stated): gnomAD exomes below 0.00001.
gnomAD v4.1: 4 of 1,614,022 alleles (0.00025%); highest among the groups gnomAD compares: East Asian, 0.0045%; no homozygotes.

Submissions (6):

Labcorp Genetics (formerly Invitae), Labcorp
Classification: Uncertain significance for Arrhythmogenic cardiomyopathy with wooly hair and keratoderma; Arrhythmogenic right ventricular dysplasia 8. Last evaluated: 2025-02-26. Review status: criteria provided, single submitter. Criteria: Invitae Variant Classification Sherloc (09022015). Collection method: clinical testing. Allele origin: germline.
Comment: This sequence change replaces glutamic acid, which is acidic and polar, with lysine, which is basic and polar, at codon 2193 of the DSP protein (p.Glu2193Lys). This variant is not present in population databases (gnomAD no frequency). This missense change has been observed in individual(s) with clinical features of Carvajal syndrome (PMID: 24825141, 33232181). In at least one individual the data is consistent with being in trans (on the opposite chromosome) from a pathogenic variant. ClinVar contains an entry for this variant (Variation ID: 44939). An algorithm developed to predict the effect of missense changes on protein structure and function (PolyPhen-2) suggests that this variant is likely to be disruptive. Experimental studies have shown that this missense change affects DSP function (PMID: 35008956). In summary, the available evidence is currently insufficient to determine the role of this variant in disease. Therefore, it has been classified as a Variant of Uncertain Significance.

AiLife Diagnostics
Classification: Uncertain significance. Last evaluated: 2021-12-21. Review status: criteria provided, single submitter. Criteria: ACMG Guidelines, 2015. Collection method: clinical testing. Allele origin: germline. Affected: yes. Observed: 1 variant allele.

Fulgent Genetics
Classification: Uncertain significance for Arrhythmogenic cardiomyopathy with wooly hair and keratoderma; Arrhythmogenic right ventricular dysplasia 8; Lethal acantholytic epidermolysis bullosa; Keratosis palmoplantaris striata 2; Cardiomyopathy, dilated, with wooly hair, keratoderma, and tooth agenesis. Last evaluated: 2021-08-30. Review status: criteria provided, single submitter. Criteria: ACMG Guidelines, 2015. Collection method: clinical testing. Allele origin: unknown.

Centre for Mendelian Genomics, University Medical Centre Ljubljana
Classification: Uncertain significance for Keratosis palmoplantaris striata 2. Last evaluated: 2016-01-01. Review status: criteria provided, single submitter. Criteria: ACMG Guidelines, 2015. Collection method: clinical testing. Allele origin: unknown. Affected: yes.
Comment: This variant was classified as: Uncertain significance. The following ACMG criteria were applied in classifying this variant: PM2,PP3.

Laboratory for Molecular Medicine, Mass General Brigham Personalized Medicine
Classification: Uncertain significance. Last evaluated: 2015-01-07. Review status: criteria provided, single submitter. Criteria: LMM Criteria. Collection method: clinical testing. Allele origin: germline. Observed: 1 variant allele.
Comment: proposed classification - variant undergoing re-assessment, contact laboratory

Centre for Mendelian Genomics, University Medical Centre Ljubljana
Classification: Uncertain significance for Amyloidosis; Cardiomyopathy. Last evaluated: 2016-01-22. Review status: no assertion criteria provided. Collection method: clinical testing. Allele origin: unknown. Affected: yes. Not counted in ClinVar's aggregate classification.

Literature cited by the submitters: PubMed 24825141 (cited by 3 submitters); PubMed 33232181 (cited by Labcorp Genetics (formerly Invitae), Labcorp and AiLife Diagnostics); PubMed 35008956 (cited by Labcorp Genetics (formerly Invitae), Labcorp).

NM_004415.4(DSP):c.6577G>A (p.Glu2193Lys)

Gene: DSP (desmoplakin; plus strand). Cytogenetic location: 6p24.3.
Variant type: single nucleotide variant.
Coding change: c.6577G>A on transcript NM_004415.4 (MANE Select); coding-DNA position 6577, G replaced by A.
Protein change: p.Glu2193Lys; replaces glutamic acid 2193 with lysine.
Molecular consequence: missense variant.
Genome position (GRCh38, 1-based): chr6:7,583,839, G>A. VCF-style: chr6-7583839-G-A. GRCh37 (hg19) VCF-style: chr6-7584072-G-A.
Other names: c.4780G>A, p.Glu1594Lys (NM_001008844.3); c.5248G>A, p.Glu1750Lys (NM_001319034.2); short protein forms E2193K, E1750K, E1594K.
Identifiers: ClinVar variation 44939 (VCV000044939.13), dbSNP rs397516952, ClinGen allele CA006988.